The following is an entry in ClinVar:

ClinVar aggregate classification (germline): Uncertain significance (1 of 4 stars; one submission).

Submission:

GeneDx
Classification: Uncertain significance. Last evaluated: 2023-04-22. Review status: criteria provided, single submitter. Criteria: GeneDx Variant Classification Process June 2021. Collection method: clinical testing. Allele origin: germline. Affected: yes.
Comment: Not observed at significant frequency in large population cohorts (gnomAD); In silico analysis supports that this missense variant has a deleterious effect on protein structure/function; Has not been previously published as pathogenic or benign to our knowledge

NM_016604.4(KDM3B):c.141G>T (p.Trp47Cys)

Genes: KDM3B (lysine demethylase 3B; plus strand), LOC129994737 (ATAC-STARR-seq lymphoblastoid silent region 16394; plus strand). Cytogenetic location: 5q31.2.
Variant type: single nucleotide variant.
Coding change: c.141G>T on transcript NM_016604.4 (MANE Select); coding-DNA position 141, G replaced by T.
Protein change: p.Trp47Cys; replaces tryptophan 47 with cysteine.
Molecular consequence: missense variant.
Genome position (GRCh38, 1-based): chr5:138,352,936, G>T. VCF-style: chr5-138352936-G-T. GRCh37 (hg19) VCF-style: chr5-137688625-G-T.
Other names: short protein forms W47C.
Identifiers: ClinVar variation 2663542 (VCV002663542.1), dbSNP rs2480106235, ClinGen allele CA361090612.